The following is an entry in ClinVar:

NM_194277.3(FRMD7):c.162+1G>A

Gene: FRMD7 (FERM domain containing 7; minus strand). Cytogenetic location: Xq26.2.
Variant type: single nucleotide variant.
Coding change: c.162+1G>A on transcript NM_194277.3 (MANE Select); the canonical splice donor site of the intron after coding-DNA position 162, G replaced by A.
Molecular consequence: splice donor variant.
Genome position (GRCh38, 1-based): chrX:132,100,611, C>T on the plus strand (G>A on the coding strand, the complement: FRMD7 is on the minus strand). VCF-style: chrX-132100611-C-T. GRCh37 (hg19) VCF-style: chrX-131234639-C-T.
Other names: c.162+1G>A (NM_001306193.2).
Identifiers: ClinVar variation 4681184 (VCV004681184.1).

ClinVar aggregate classification (germline): Likely pathogenic (1 of 4 stars; one submission).

Conditions:
Nystagmus 1, congenital, X-linked. Also called: NYSTAGMUS 1, INFANTILE, X-LINKED; NYSTAGMUS, CONGENITAL MOTOR, 1; NYSTAGMUS, INFANTILE IDIOPATHIC; NYSTAGMUS, INFANTILE PERIODIC ALTERNATING, X-LINKED; FRMD7-Related Infantile Nystagmus. Identifiers: MedGen C1839580, MONDO:0010693, OMIM 310700.

Submission:

Molecular Genetics Laboratory, Motol Hospital
Classification: Likely pathogenic for Nystagmus 1, congenital, X-linked. Last evaluated: 2025-12-28. Review status: criteria provided, single submitter. Criteria: ACMG Guidelines, 2015. Collection method: clinical testing. Allele origin: de novo. Inheritance: X-linked recessive inheritance. Affected: yes. Observed: 1 hemizygote.
Comment: retinal dystrophy. Not present in control non-Finnish European population (gnomAD v4.1.0) (PM2). Predicted to disrupt donor splice site. Rare truncating/splicing variants in the FRMD7 gene are associated with x-linked congenital nystagmus (NYS1, MIM:310700). The adjacent variant c.162+2T>G is classified as likely pathogenic (VCV003618441.1). To conclude, the variant c.162+1G>A is classified as likely pathogenic.

Literature cited by the submitters: PubMed 22262942; PubMed 17013395; PubMed 28623544; PubMed 35705619.